The following is an entry in ClinVar:

NM_004656.4(BAP1):c.1896_1900dup (p.Ala634fs)

Gene: BAP1 (BRCA1 associated deubiquitinase 1; minus strand). Cytogenetic location: 3p21.1.
Variant type: Duplication.
Coding change: c.1896_1900dup on transcript NM_004656.4 (MANE Select); coding-DNA positions 1896 to 1900, 5 bases duplicated (GCTGG; older notation c.1896_1900dupGCTGG).
Protein change: p.Ala634fs; shifts the reading frame from alanine 634.
Molecular consequence: frameshift variant.
Genome position (GRCh38, 1-based): chr3:52,402,862-52,402,866, CCAGC duplicated on the plus strand (GCTGG on the coding strand, the reverse complement: BAP1 is on the minus strand). VCF-style (leftmost placement, unchanged base first): chr3-52402861-G-GCCAGC. GRCh37 (hg19) VCF-style: chr3-52436877-G-GCCAGC.
Other names: short protein forms A634fs.
Identifiers: ClinVar variation 629185 (VCV000629185.4), dbSNP rs1559585465, ClinGen allele CA913188117.

ClinVar aggregate classification (germline): Pathogenic (1 of 4 stars; one submission).

Conditions:
Hereditary cancer-predisposing syndrome. Also called: Neoplastic Syndromes, Hereditary; Tumor predisposition; Hereditary neoplastic syndrome; Hereditary Cancer Syndrome. Identifiers: Orphanet 140162, MedGen C0027672, MeSH D009386, MONDO:0015356.

Submission:

Color Diagnostics, LLC DBA Color Health
Classification: Pathogenic for Hereditary cancer-predisposing syndrome. Last evaluated: 2020-01-15. Review status: criteria provided, single submitter. Criteria: ACMG Guidelines, 2015. Collection method: clinical testing. Allele origin: germline.
Comment: This variant inserts 5 nucleotides in exon 15 of the BAP1 gene, creating a frameshift and premature translation stop signal. This variant is expected to result in an absent or non-functional protein product. This variant has not been identified in the general population by the Genome Aggregation Database (gnomAD). Loss of BAP1 function is a known mechanism of disease. Based on the available evidence, this variant is classified as Pathogenic.